The following is an entry in ClinVar:

ClinVar aggregate classification (germline): Uncertain significance. Review status: criteria provided, multiple submitters, no conflicts (2 of 4 stars). 2 submissions from 2 submitters: Uncertain significance (2). Last evaluated 2024-09-02.

Conditions:
Hereditary cancer-predisposing syndrome. Also called: Hereditary neoplastic syndrome; Neoplastic Syndromes, Hereditary; Tumor predisposition; Hereditary Cancer Syndrome. Identifiers: Orphanet 140162, MedGen C0027672, MeSH D009386, MONDO:0015356.

gnomAD v4.1: 1 of 1,613,646 alleles (0.000062%); highest among the groups gnomAD compares: Non-Finnish European, 0.000085%; no homozygotes.

Submissions (2):

Ambry Genetics
Classification: Uncertain significance for Hereditary cancer-predisposing syndrome. Last evaluated: 2024-09-02. Review status: criteria provided, single submitter. Criteria: Ambry Variant Classification Scheme 2023. Collection method: clinical testing. Allele origin: germline.
Comment: The p.V1289L variant (also known as c.3865G>T), located in coding exon 19 of the MET gene, results from a G to T substitution at nucleotide position 3865. The valine at codon 1289 is replaced by leucine, an amino acid with highly similar properties. This amino acid position is conserved. In addition, the in silico prediction for this alteration is inconclusive. Based on the available evidence, the clinical significance of this variant remains unclear.

GeneDx
Classification: Uncertain significance. Last evaluated: 2021-03-04. Review status: criteria provided, single submitter. Criteria: GeneDx Variant Classification Process June 2021. Collection method: clinical testing. Allele origin: germline. Affected: yes.
Comment: Not observed at a significant frequency in large population cohorts (Lek 2016); In silico analysis supports that this missense variant does not alter protein structure/function; Has not been previously published as pathogenic or benign to our knowledge

NM_000245.4(MET):c.3811G>T (p.Val1271Leu)

Gene: MET (MET proto-oncogene, receptor tyrosine kinase; plus strand). Cytogenetic location: 7q31.2.
Variant type: single nucleotide variant.
Coding change: c.3811G>T on transcript NM_000245.4 (MANE Select); coding-DNA position 3811, G replaced by T.
Protein change: p.Val1271Leu; replaces valine 1271 with leucine.
Molecular consequence: missense variant.
Genome position (GRCh38, 1-based): chr7:116,795,667, G>T. VCF-style: chr7-116795667-G-T. GRCh37 (hg19) VCF-style: chr7-116435721-G-T.
Other names: c.3865G>T, p.Val1289Leu (NM_001127500.3); c.2521G>T, p.Val841Leu (NM_001324402.2); short protein forms V1271L, V1289L, V841L.
Identifiers: ClinVar variation 1320526 (VCV001320526.3), dbSNP rs751186512, ClinGen allele CA165451044.